The following is an entry in ClinVar:

NM_198576.4(AGRN):c.5051C>T (p.Thr1684Met)

Gene: AGRN (agrin; plus strand). Cytogenetic location: 1p36.33.
Variant type: single nucleotide variant.
Coding change: c.5051C>T on transcript NM_198576.4 (MANE Select); coding-DNA position 5051, C replaced by T.
Protein change: p.Thr1684Met; replaces threonine 1684 with methionine.
Molecular consequence: missense variant.
Genome position (GRCh38, 1-based): chr1:1,050,501, C>T. VCF-style: chr1-1050501-C-T. GRCh37 (hg19) VCF-style: chr1-985881-C-T.
Other names: c.5051C>T, p.Thr1684Met (NM_001305275.2); c.4736C>T, p.Thr1579Met (NM_001364727.2); short protein forms T1579M, T1684M.
Identifiers: ClinVar variation 2159073 (VCV002159073.2), dbSNP rs779378422, ClinGen allele CA509831.

ClinVar aggregate classification (germline): Uncertain significance. Review status: criteria provided, multiple submitters, no conflicts (2 of 4 stars). 2 submissions from 2 submitters: Uncertain significance (2). Last evaluated 2022-07-06.

Conditions:
Congenital myasthenic syndrome 8. Also called: Myasthenic syndrome, congenital, 8, with pre- and postsynaptic defects; MYASTHENIC SYNDROME, CONGENITAL, DUE TO AGRIN DEFICIENCY. Identifiers: Orphanet 590, MedGen C3808739, MONDO:0014052, OMIM 615120.

Allele frequency attached by ClinVar (database versions not stated): gnomAD exomes 0.00002; ExAC 0.00003; TOPMed 0.00003; gnomAD 0.00006.
gnomAD v4.1: 32 of 1,612,792 alleles (0.002%); highest among the groups gnomAD compares: African/African-American, 0.011%; no homozygotes.

Submissions (2):

Labcorp Genetics (formerly Invitae), Labcorp
Classification: Uncertain significance for Congenital myasthenic syndrome 8. Last evaluated: 2022-07-06. Review status: criteria provided, single submitter. Criteria: Invitae Variant Classification Sherloc (09022015). Collection method: clinical testing. Allele origin: germline.
Comment: This sequence change replaces threonine, which is neutral and polar, with methionine, which is neutral and non-polar, at codon 1684 of the AGRN protein (p.Thr1684Met). This variant is present in population databases (rs779378422, gnomAD 0.008%). This variant has not been reported in the literature in individuals affected with AGRN-related conditions. Algorithms developed to predict the effect of missense changes on protein structure and function are either unavailable or do not agree on the potential impact of this missense change (SIFT: "Deleterious"; PolyPhen-2: "Probably Damaging"; Align-GVGD: "Class C0"). In summary, the available evidence is currently insufficient to determine the role of this variant in disease. Therefore, it has been classified as a Variant of Uncertain Significance.

Blueprint Genetics
Classification: Uncertain significance. Last evaluated: 2022-06-13. Review status: criteria provided, single submitter. Criteria: ACMG Guidelines, 2015. Collection method: clinical testing. Allele origin: germline.